The following is an entry in ClinVar:

NM_000283.4(PDE6B):c.1054G>T (p.Gly352Cys)

Gene: PDE6B (phosphodiesterase 6B; plus strand). Cytogenetic location: 4p16.3.
Variant type: single nucleotide variant.
Coding change: c.1054G>T on transcript NM_000283.4 (MANE Select); coding-DNA position 1054, G replaced by T.
Protein change: p.Gly352Cys; replaces glycine 352 with cysteine.
Molecular consequence: missense variant. On other transcripts: intron variant (1).
Genome position (GRCh38, 1-based): chr4:656,001, G>T. VCF-style: chr4-656001-G-T. GRCh37 (hg19) VCF-style: chr4-649790-G-T.
Other names: c.1054G>T, p.Gly352Cys (NM_001145291.2); c.217G>T, p.Gly73Cys (NM_001145292.2, NM_001350154.3, NM_001379246.1 and 1 more transcripts); c.-48-873G>T (NM_001350155.3); short protein forms G73C, G352C.
Identifiers: ClinVar variation 1473699 (VCV001473699.6), dbSNP rs781265218, ClinGen allele CA355912813.

ClinVar aggregate classification (germline): Uncertain significance (1 of 4 stars; one submission).

gnomAD v4.1: 1 of 1,592,896 alleles (0.000063%); highest among the groups gnomAD compares: Non-Finnish European, 0.000086%; no homozygotes.

Submission:

Labcorp Genetics (formerly Invitae), Labcorp
Classification: Uncertain significance. Last evaluated: 2025-04-16. Review status: criteria provided, single submitter. Criteria: Invitae Variant Classification Sherloc (09022015). Collection method: clinical testing. Allele origin: germline.
Comment: This sequence change replaces glycine, which is neutral and non-polar, with cysteine, which is neutral and slightly polar, at codon 352 of the PDE6B protein (p.Gly352Cys). This variant is not present in population databases (gnomAD no frequency). This variant has not been reported in the literature in individuals affected with PDE6B-related conditions. ClinVar contains an entry for this variant (Variation ID: 1473699). Invitae Evidence Modeling of protein sequence and biophysical properties (such as structural, functional, and spatial information, amino acid conservation, physicochemical variation, residue mobility, and thermodynamic stability) has been performed for this missense variant. However, the output from this modeling did not meet the statistical confidence thresholds required to predict the impact of this variant on PDE6B protein function. In summary, the available evidence is currently insufficient to determine the role of this variant in disease. Therefore, it has been classified as a Variant of Uncertain Significance.